The following is an entry in ClinVar:

ClinVar aggregate classification (germline): Pathogenic (1 of 4 stars; one submission).

Submission:

GeneDx
Classification: Pathogenic. Last evaluated: 2017-11-22. Review status: criteria provided, single submitter. Criteria: GeneDx Variant Classification (06012015). Collection method: clinical testing. Allele origin: germline. Affected: yes.
Comment: The c.6220delC variant in the CREBBP gene has not been reported previously as a pathogenic variant nor as a benign variant, to our knowledge. The c.6220delC variant causes a frameshift, changing codon Leucine 2074 to a premature Stop codon, denoted p.Leu2074Ter. This variant is predicted to cause loss of normal protein function through protein truncation. The c.6220delC variant is not observed in large population cohorts (Lek et al., 2016). We interpret c.6220delC as a pathogenic variant.

NM_004380.3(CREBBP):c.6220del (p.Thr2073_Leu2074insTer)

Gene: CREBBP (CREB binding protein; minus strand). Cytogenetic location: 16p13.3.
Variant type: Deletion.
Coding change: c.6220del on transcript NM_004380.3 (MANE Select); coding-DNA position 6220, one base deleted (C; older notation c.6220delC).
Protein change: p.Thr2073_Leu2074insTer.
Molecular consequence: nonsense.
Genome position (GRCh38, 1-based): chr16:3,728,827, G deleted on the plus strand (C on the coding strand, the reverse complement: CREBBP is on the minus strand); the first of 3 consecutive G bases (chr16:3,728,827-3,728,829); deleting any one gives the same sequence. VCF-style (leftmost placement, unchanged base first): chr16-3728826-AG-A. GRCh37 (hg19) VCF-style: chr16-3778827-AG-A.
Other names: c.6220delC (NM_004380.2); c.6106del, p.Thr2035_Leu2036insTer (NM_001079846.1).
Identifiers: ClinVar variation 503883 (VCV000503883.2), dbSNP rs1555471086, ClinGen allele CA658798524.